The following is an entry in ClinVar:

NM_020719.3(PRR12):c.5828A>G (p.Lys1943Arg)

Gene: PRR12 (proline rich 12; plus strand). Cytogenetic location: 19q13.33.
Variant type: single nucleotide variant.
Coding change: c.5828A>G on transcript NM_020719.3 (MANE Select); coding-DNA position 5828, A replaced by G.
Protein change: p.Lys1943Arg; replaces lysine 1943 with arginine.
Molecular consequence: missense variant.
Genome position (GRCh38, 1-based): chr19:49,624,950, A>G. VCF-style: chr19-49624950-A-G. GRCh37 (hg19) VCF-style: chr19-50128207-A-G.
Other names: short protein forms K1943R.
Identifiers: ClinVar variation 2444647 (VCV002444647.1), dbSNP rs1464896485, ClinGen allele CA406842381.
Genomic context (GRCh38, chr19:49,624,950, plus strand): 5'-AGGGCTCTCCGGAAGAGGGGGCTGTGCGGCTGCGGCCTGCTGGGGAACCCTACAACCGCA[A>G]GACGCTCAGCAAGCTCAAGAGGAGCGTGGTCAGAGCCCAGGTGGGCACTGGGGCTGGGGC-3'
Protein context (NP_065770.1, residues 1933-1953): LRPAGEPYNR[Lys1943Arg]TLSKLKRSVV

ClinVar aggregate classification (germline): Uncertain significance (1 of 4 stars; one submission).

Allele frequency attached by ClinVar (database versions not stated): gnomAD exomes below 0.00001; gnomAD 0.00001; TOPMed 0.00001; 1000 Genomes Project 30x 0.00016.
gnomAD v4.1: 4 of 1,597,026 alleles (0.00025%); highest among the groups gnomAD compares: African/African-American, 0.0054%; no homozygotes.

Submission:

GeneDx
Classification: Uncertain significance. Last evaluated: 2022-09-20. Review status: criteria provided, single submitter. Criteria: GeneDx Variant Classification Process June 2021. Collection method: clinical testing. Allele origin: germline. Affected: yes.
Comment: Not observed at significant frequency in large population cohorts (gnomAD); In silico analysis supports that this missense variant does not alter protein structure/function; Has not been previously published as pathogenic or benign to our knowledge